The following is an entry in ClinVar:

ClinVar aggregate classification (germline): Likely benign. Review status: criteria provided, multiple submitters, no conflicts (2 of 4 stars). 2 submissions from 2 submitters: Likely benign (2). Last evaluated 2024-07-06.

Conditions:
Familial adenomatous polyposis 1 (FAP1). Also called: POLYPOSIS, ADENOMATOUS INTESTINAL; FAMILIAL ADENOMATOUS POLYPOSIS 1, ATTENUATED. Identifiers: MedGen C2713442, MONDO:0021056, OMIM 175100. Disease mechanism: loss of function.

Submissions (2):

Labcorp Genetics (formerly Invitae), Labcorp
Classification: Likely benign for Familial adenomatous polyposis 1. Last evaluated: 2024-07-06. Review status: criteria provided, single submitter. Criteria: Invitae Variant Classification Sherloc (09022015). Collection method: clinical testing. Allele origin: germline.

Myriad Genetics, Inc.
Classification: Likely benign for Familial adenomatous polyposis 1. Last evaluated: 2024-02-23. Review status: criteria provided, single submitter. Criteria: Myriad Autosomal Dominant, Autosomal Recessive and X-Linked Classification Criteria (2023). Collection method: clinical testing. Allele origin: unknown.
Comment: This variant is considered likely benign. This variant is intronic and is not expected to impact mRNA splicing.

NM_000038.6(APC):c.423-5A>C

Gene: APC (APC regulator of Wnt signaling pathway; plus strand). Cytogenetic location: 5q22.2.
Variant type: single nucleotide variant.
Coding change: c.423-5A>C on transcript NM_000038.6 (MANE Select); 5 bases into the intron before coding-DNA position 423, A replaced by C.
Molecular consequence: intron variant.
Genome position (GRCh38, 1-based): chr5:112,775,624, A>C. VCF-style: chr5-112775624-A-C. GRCh37 (hg19) VCF-style: chr5-112111321-A-C.
Other names: c.423-5A>C (NM_001127510.3, NM_001407455.1, NM_001407459.1 and 16 more transcripts); c.348-5A>C (NM_001407451.1, NM_001354898.2, NM_001354904.2); c.-613-5A>C (NM_001354906.2, NM_001407471.1, NM_001407470.1 and 1 more transcripts); c.246-5A>C (NM_001354905.2, NM_001354900.2, NM_001354901.2 and 1 more transcripts); c.453-5A>C (NM_001407446.1, NM_001354897.2, NM_001354902.2 and 1 more transcripts).
Identifiers: ClinVar variation 3148271 (VCV003148271.3), dbSNP rs2532409891, ClinGen allele CA2825001333.